The following is an entry in ClinVar:

NM_001365999.1(SZT2):c.3964G>A (p.Asp1322Asn)

Gene: SZT2 (SZT2 subunit of KICSTOR complex; plus strand). Cytogenetic location: 1p34.2.
Variant type: single nucleotide variant.
Coding change: c.3964G>A on transcript NM_001365999.1 (MANE Select); coding-DNA position 3964, G replaced by A.
Protein change: p.Asp1322Asn; replaces aspartic acid 1322 with asparagine.
Molecular consequence: missense variant.
Genome position (GRCh38, 1-based): chr1:43,428,284, G>A. VCF-style: chr1-43428284-G-A. GRCh37 (hg19) VCF-style: chr1-43893955-G-A.
Other names: c.3793G>A, p.Asp1265Asn (NM_015284.4); short protein forms D1265N, D1322N.
Identifiers: ClinVar variation 846452 (VCV000846452.22), dbSNP rs772607010, ClinGen allele CA809157.
Genomic context (GRCh38, chr1:43,428,284, plus strand): 5'-CTTCCACTTCCATCAGGGCTATTCCGCAGCTTGCAGCAAGCACAGAGTGTGACCTCCCAG[G>A]ATTTGCTGACAGCGGTAGATGCCTGTGAGGAGCTACTACAAGAAATAGACATCACCCCAT-3'
Protein context (NP_001352928.1, residues 1312-1332): LQQAQSVTSQ[Asp1322Asn]LLTAVDACEE

ClinVar aggregate classification (germline): Uncertain significance. Review status: criteria provided, multiple submitters, no conflicts (2 of 4 stars). 3 submissions from 3 submitters: Uncertain significance (3). Last evaluated 2024-11-01.

Allele frequency attached by ClinVar (database versions not stated): TOPMed 0.00001; ExAC 0.00002; gnomAD exomes 0.00002; gnomAD 0.00004 and 0.00005.
gnomAD v4.1: 34 of 1,614,088 alleles (0.0021%); highest among the groups gnomAD compares: Non-Finnish European, 0.0026%; no homozygotes.

Submissions (3):

CeGaT Center for Human Genetics Tuebingen
Classification: Uncertain significance. Last evaluated: 2024-11-01. Review status: criteria provided, single submitter. Criteria: CeGaT Center For Human Genetics Tuebingen Variant Classification Criteria Version 2. Collection method: clinical testing. Allele origin: germline. Affected: yes. Observed: 1 variant allele.
Comment: SZT2: PM2

Labcorp Genetics (formerly Invitae), Labcorp
Classification: Uncertain significance. Last evaluated: 2021-08-31. Review status: criteria provided, single submitter. Criteria: Invitae Variant Classification Sherloc (09022015). Collection method: clinical testing. Allele origin: germline.
Comment: This sequence change replaces aspartic acid with asparagine at codon 1265 of the SZT2 protein (p.Asp1265Asn). The aspartic acid residue is highly conserved and there is a small physicochemical difference between aspartic acid and asparagine. This variant is present in population databases (rs772607010, ExAC 0.004%). This variant has not been reported in the literature in individuals affected with SZT2-related conditions. Algorithms developed to predict the effect of missense changes on protein structure and function are either unavailable or do not agree on the potential impact of this missense change (SIFT: "Deleterious"; PolyPhen-2: "Probably Damaging"; Align-GVGD: "Class C15"). In summary, the available evidence is currently insufficient to determine the role of this variant in disease. Therefore, it has been classified as a Variant of Uncertain Significance.

Blueprint Genetics
Classification: Uncertain significance. Last evaluated: 2020-06-24. Review status: criteria provided, single submitter. Criteria: ACMG Guidelines, 2015. Collection method: clinical testing. Allele origin: germline.